The following is an entry in ClinVar:

ClinVar aggregate classification (germline): Uncertain significance. Review status: criteria provided, multiple submitters, no conflicts (2 of 4 stars). 4 submissions from 4 submitters: Uncertain significance (4). Last evaluated 2025-10-29.

Conditions:
Epilepsy, childhood absence, susceptibility to, 6. Identifiers: Orphanet 64280, MedGen C2749872, MONDO:0012763, OMIM 611942.
Hyperaldosteronism, familial, type IV (HALD4). Also called: FH IV; ALDOSTERONISM, PRIMARY, AND HYPERTENSION. Identifiers: Orphanet 642671, MedGen C4310756, MONDO:0014875, OMIM 617027.
Idiopathic generalized epilepsy. Also called: Generalised epilepsy; EIG. Identifiers: MedGen C0270850, MONDO:0005579, OMIM 600669.

Allele frequency attached by ClinVar (database versions not stated): TOPMed 0.00002; gnomAD 0.00003; gnomAD exomes 0.00004 and 0.00005; ExAC 0.00007; 1000 Genomes Project 30x 0.00016; 1000 Genomes Project 0.00020.
gnomAD v4.1: 59 of 1,592,654 alleles (0.0037%); highest among the groups gnomAD compares: Admixed American, 0.0052%; no homozygotes.

Submissions (4):

Women's Health and Genetics/Laboratory Corporation of America, LabCorp
Classification: Uncertain significance. Last evaluated: 2025-10-29. Review status: criteria provided, single submitter. Criteria: LabCorp Variant Classification Summary - May 2015. Collection method: clinical testing. Allele origin: germline.
Comment: Variant summary: CACNA1H c.2716G>A (p.Val906Met) results in a conservative amino acid change in the encoded protein sequence. Algorithms developed to predict the effect of missense changes on protein structure and function are either unavailable or do not agree on the potential impact of this missense change. The variant allele was found at a frequency of 4.6e-05 in 215550 control chromosomes. This frequency is not significantly higher than estimated for disease-causing variants in CACNA1H, allowing no conclusion about variant significance. To our knowledge, no occurrence of c.2716G>A in individuals affected with CACNA1H-related conditions and no experimental evidence demonstrating its impact on protein function have been reported. ClinVar contains an entry for this variant (Variation ID: 852957). Based on the evidence outlined above, the variant was classified as uncertain significance.

Labcorp Genetics (formerly Invitae), Labcorp
Classification: Uncertain significance for Idiopathic generalized epilepsy; Hyperaldosteronism, familial, type IV. Last evaluated: 2025-08-08. Review status: criteria provided, single submitter. Criteria: Invitae Variant Classification Sherloc (09022015). Collection method: clinical testing. Allele origin: germline.
Comment: This sequence change replaces valine, which is neutral and non-polar, with methionine, which is neutral and non-polar, at codon 906 of the CACNA1H protein (p.Val906Met). This variant is present in population databases (rs536557648, gnomAD 0.01%). This variant has not been reported in the literature in individuals affected with CACNA1H-related conditions. ClinVar contains an entry for this variant (Variation ID: 852957). Invitae Evidence Modeling of protein sequence and biophysical properties (such as structural, functional, and spatial information, amino acid conservation, physicochemical variation, residue mobility, and thermodynamic stability) indicates that this missense variant is expected to disrupt CACNA1H protein function with a positive predictive value of 80%. In summary, the available evidence is currently insufficient to determine the role of this variant in disease. Therefore, it has been classified as a Variant of Uncertain Significance.

GeneDx
Classification: Uncertain significance. Last evaluated: 2023-05-11. Review status: criteria provided, single submitter. Criteria: GeneDx Variant Classification Process June 2021. Collection method: clinical testing. Allele origin: germline. Affected: yes.
Comment: In silico analysis supports that this missense variant has a deleterious effect on protein structure/function; Has not been previously published as pathogenic or benign to our knowledge

Fulgent Genetics
Classification: Uncertain significance for Epilepsy, childhood absence, susceptibility to, 6; Hyperaldosteronism, familial, type IV. Last evaluated: 2022-05-05. Review status: criteria provided, single submitter. Criteria: ACMG Guidelines, 2015. Collection method: clinical testing. Allele origin: unknown.

NM_021098.3(CACNA1H):c.2716G>A (p.Val906Met)

Gene: CACNA1H (calcium voltage-gated channel subunit alpha1 H; plus strand). Cytogenetic location: 16p13.3.
Variant type: single nucleotide variant.
Coding change: c.2716G>A on transcript NM_021098.3 (MANE Select); coding-DNA position 2716, G replaced by A.
Protein change: p.Val906Met; replaces valine 906 with methionine.
Molecular consequence: missense variant.
Genome position (GRCh38, 1-based): chr16:1,206,216, G>A. VCF-style: chr16-1206216-G-A. GRCh37 (hg19) VCF-style: chr16-1256216-G-A.
Other names: c.2716G>A, p.Val906Met (NM_001005407.2); short protein forms V906M.
Identifiers: ClinVar variation 852957 (VCV000852957.12), dbSNP rs536557648, ClinGen allele CA7800407.